The following is an entry in ClinVar:

NM_000222.3(KIT):c.1686G>C (p.Glu562Asp)

Gene: KIT (KIT proto-oncogene, receptor tyrosine kinase; plus strand). Cytogenetic location: 4q12.
Variant type: single nucleotide variant.
Coding change: c.1686G>C on transcript NM_000222.3 (MANE Select); coding-DNA position 1686, G replaced by C.
Protein change: p.Glu562Asp; replaces glutamic acid 562 with aspartic acid.
Molecular consequence: missense variant.
Genome position (GRCh38, 1-based): chr4:54,727,454, G>C. VCF-style: chr4-54727454-G-C. GRCh37 (hg19) VCF-style: chr4-55593620-G-C.
Other names: c.1674G>C, p.Glu558Asp (NM_001093772.2, NM_001385286.1); c.1689G>C, p.Glu563Asp (NM_001385284.1, NM_001385290.1); c.1686G>C, p.Glu562Asp (NM_001385285.1); c.1677G>C, p.Glu559Asp (NM_001385288.1, NM_001385292.1); short protein forms E562D, E558D, E559D, E563D.
Identifiers: ClinVar variation 528514 (VCV000528514.8), dbSNP rs1553891764, ClinGen allele CA356907490.

ClinVar aggregate classification (germline): Uncertain significance (1 of 4 stars; one submission).

Conditions:
Gastrointestinal stromal tumor. Also called: Gastrointestinal stroma tumor; Gastrointestinal stromal tumor, somatic. Identifiers: Orphanet 44890, MedGen C0238198, MeSH D046152, MONDO:0011719, OMIM 606764, HP:0100723.

Allele frequency attached by ClinVar (database versions not stated): gnomAD exomes 0.00001; TOPMed 0.00001.
gnomAD v4.1: 7 of 1,614,108 alleles (0.00043%); highest among the groups gnomAD compares: Non-Finnish European, 0.00059%; no homozygotes.

Submission:

Labcorp Genetics (formerly Invitae), Labcorp
Classification: Uncertain significance for Gastrointestinal stromal tumor. Last evaluated: 2025-02-11. Review status: criteria provided, single submitter. Criteria: Invitae Variant Classification Sherloc (09022015). Collection method: clinical testing. Allele origin: germline.
Comment: This sequence change replaces glutamic acid, which is acidic and polar, with aspartic acid, which is acidic and polar, at codon 562 of the KIT protein (p.Glu562Asp). This variant is not present in population databases (gnomAD no frequency). This variant has not been reported in the literature in individuals affected with KIT-related conditions. ClinVar contains an entry for this variant (Variation ID: 528514). An algorithm developed to predict the effect of missense changes on protein structure and function (PolyPhen-2) suggests that this variant is likely to be tolerated. In summary, the available evidence is currently insufficient to determine the role of this variant in disease. Therefore, it has been classified as a Variant of Uncertain Significance.